The following is an entry in ClinVar:

NM_000490.5(AVP):c.458C>T (p.Pro153Leu)

Gene: AVP (arginine vasopressin; minus strand). Cytogenetic location: 20p13.
Variant type: single nucleotide variant.
Coding change: c.458C>T on transcript NM_000490.5 (MANE Select); coding-DNA position 458, C replaced by T.
Protein change: p.Pro153Leu; replaces proline 153 with leucine.
Molecular consequence: missense variant.
Genome position (GRCh38, 1-based): chr20:3,082,667, G>A on the plus strand (C>T on the coding strand, the complement: AVP is on the minus strand). VCF-style: chr20-3082667-G-A. GRCh37 (hg19) VCF-style: chr20-3063313-G-A.
Other names: short protein forms P153L.
Identifiers: ClinVar variation 2443499 (VCV002443499.1), dbSNP rs2517099294, ClinGen allele CA408061178.

ClinVar aggregate classification (germline): Uncertain significance (1 of 4 stars; one submission).

Allele frequency attached by ClinVar (database versions not stated): gnomAD exomes 0.00001.
gnomAD v4.1: 11 of 1,284,274 alleles (0.00086%); highest among the groups gnomAD compares: Non-Finnish European, 0.0011%; no homozygotes.

Submission:

GeneDx
Classification: Uncertain significance. Last evaluated: 2022-09-08. Review status: criteria provided, single submitter. Criteria: GeneDx Variant Classification Process June 2021. Collection method: clinical testing. Allele origin: germline. Affected: yes.
Comment: Not observed at significant frequency in large population cohorts (gnomAD); In silico analysis supports that this missense variant does not alter protein structure/function; Has not been previously published as pathogenic or benign to our knowledge